The following is an entry in ClinVar:

NM_018706.7(DHTKD1):c.193G>C (p.Glu65Gln)

Gene: DHTKD1 (dehydrogenase E1 and transketolase domain containing 1; plus strand). Cytogenetic location: 10p14.
Variant type: single nucleotide variant.
Coding change: c.193G>C on transcript NM_018706.7 (MANE Select); coding-DNA position 193, G replaced by C.
Protein change: p.Glu65Gln; replaces glutamic acid 65 with glutamine.
Molecular consequence: missense variant.
Genome position (GRCh38, 1-based): chr10:12,081,510, G>C. VCF-style: chr10-12081510-G-C. GRCh37 (hg19) VCF-style: chr10-12123509-G-C.
Other names: short protein forms E65Q.
Identifiers: ClinVar variation 2813010 (VCV002813010.3), dbSNP rs1389298222, ClinGen allele CA376014411.

ClinVar aggregate classification (germline): Uncertain significance (1 of 4 stars; one submission).

Conditions:
2-aminoadipic 2-oxoadipic aciduria (AAKAD). Also called: Aminoadipic aciduria; ALPHA-AMINOADIPIC AND ALPHA-KETOADIPIC ACIDURIA. Identifiers: Orphanet 79154, MedGen C1859817, MONDO:0008774, OMIM 204750.

gnomAD v4.1: 1 of 1,614,090 alleles (0.000062%); highest among the groups gnomAD compares: Admixed American, 0.0017%; no homozygotes.

Submission:

Labcorp Genetics (formerly Invitae), Labcorp
Classification: Uncertain significance for 2-aminoadipic 2-oxoadipic aciduria. Last evaluated: 2022-11-08. Review status: criteria provided, single submitter. Criteria: Invitae Variant Classification Sherloc (09022015). Collection method: clinical testing. Allele origin: germline.
Comment: This sequence change replaces glutamic acid, which is acidic and polar, with glutamine, which is neutral and polar, at codon 65 of the DHTKD1 protein (p.Glu65Gln). In summary, the available evidence is currently insufficient to determine the role of this variant in disease. Therefore, it has been classified as a Variant of Uncertain Significance. Advanced modeling of protein sequence and biophysical properties (such as structural, functional, and spatial information, amino acid conservation, physicochemical variation, residue mobility, and thermodynamic stability) performed at Invitae indicates that this missense variant is not expected to disrupt DHTKD1 protein function. This variant has not been reported in the literature in individuals affected with DHTKD1-related conditions. This variant is not present in population databases (gnomAD no frequency).